The following is an entry in ClinVar:

ClinVar aggregate classification (germline): Uncertain significance. Review status: criteria provided, multiple submitters, no conflicts (2 of 4 stars). 2 submissions from 2 submitters: Uncertain significance (2). Last evaluated 2025-11-24.

Conditions:
L-2-hydroxyglutaric aciduria (L2HGA). Identifiers: Orphanet 79314, MedGen C1855995, MONDO:0009370, OMIM 236792, HP:0040144.
Inborn genetic diseases. Identifiers: MedGen C0950123, MeSH D030342.

Allele frequency attached by ClinVar (database versions not stated): ExAC 0.00002; gnomAD 0.00002; gnomAD exomes 0.00002; TOPMed 0.00003.
gnomAD v4.1: 30 of 1,613,428 alleles (0.0019%); highest among the groups gnomAD compares: Middle Eastern, 0.016%; no homozygotes.

Submissions (2):

Ambry Genetics
Classification: Uncertain significance for Inborn genetic diseases. Last evaluated: 2025-11-24. Review status: criteria provided, single submitter. Criteria: Ambry Variant Classification Scheme 2023. Collection method: clinical testing. Allele origin: germline.

Labcorp Genetics (formerly Invitae), Labcorp
Classification: Uncertain significance for L-2-hydroxyglutaric aciduria. Last evaluated: 2022-05-27. Review status: criteria provided, single submitter. Criteria: Invitae Variant Classification Sherloc (09022015). Collection method: clinical testing. Allele origin: germline.
Comment: This sequence change replaces proline, which is neutral and non-polar, with leucine, which is neutral and non-polar, at codon 162 of the L2HGDH protein (p.Pro162Leu). This variant is present in population databases (rs776346832, gnomAD 0.004%). This variant has not been reported in the literature in individuals affected with L2HGDH-related conditions. Algorithms developed to predict the effect of missense changes on protein structure and function (SIFT, PolyPhen-2, Align-GVGD) all suggest that this variant is likely to be tolerated. In summary, the available evidence is currently insufficient to determine the role of this variant in disease. Therefore, it has been classified as a Variant of Uncertain Significance.

NM_024884.3(L2HGDH):c.485C>T (p.Pro162Leu)

Gene: L2HGDH (L-2-hydroxyglutarate dehydrogenase; minus strand). Cytogenetic location: 14q21.3.
Variant type: single nucleotide variant.
Coding change: c.485C>T on transcript NM_024884.3 (MANE Select); coding-DNA position 485, C replaced by T.
Protein change: p.Pro162Leu; replaces proline 162 with leucine.
Molecular consequence: missense variant.
Genome position (GRCh38, 1-based): chr14:50,294,170, G>A on the plus strand (C>T on the coding strand, the complement: L2HGDH is on the minus strand). VCF-style: chr14-50294170-G-A. GRCh37 (hg19) VCF-style: chr14-50760888-G-A.
Other names: c.485C>T (NM_024884.2); short protein forms P162L.
Identifiers: ClinVar variation 2183982 (VCV002183982.2), dbSNP rs776346832, ClinGen allele CA7178011.